The following is an entry in ClinVar:

ClinVar aggregate classification (germline): Pathogenic. Review status: criteria provided, multiple submitters, no conflicts (2 of 4 stars). 2 submissions from 2 submitters: Pathogenic (2). Last evaluated 2025-04-28.

Conditions:
Wilson disease (WND). Also called: Wilson's disease. Identifiers: Orphanet 905, MedGen C0019202, MONDO:0010200, OMIM 277900. Disease mechanism: loss of function.

Submissions (2):

Labcorp Genetics (formerly Invitae), Labcorp
Classification: Pathogenic for Wilson disease. Last evaluated: 2025-04-28. Review status: criteria provided, single submitter. Criteria: Invitae Variant Classification Sherloc (09022015). Collection method: clinical testing. Allele origin: germline.
Comment: This sequence change creates a premature translational stop signal (p.Lys720Asnfs*3) in the ATP7B gene. It is expected to result in an absent or disrupted protein product. Loss-of-function variants in ATP7B are known to be pathogenic (PMID: 10441329, 16283883). This variant is not present in population databases (gnomAD no frequency). This premature translational stop signal has been observed in individual(s) with Wilson disease (PMID: 7626145, 29321352). This variant is also known as 2161delA. ClinVar contains an entry for this variant (Variation ID: 3073552). For these reasons, this variant has been classified as Pathogenic.

All of Us Research Program, National Institutes of Health
Classification: Pathogenic for Wilson disease. Last evaluated: 2023-10-02. Review status: criteria provided, single submitter. Criteria: ACMG Guidelines, 2015. Collection method: clinical testing. Allele origin: germline. Inheritance: Autosomal recessive inheritance. Observed: 1 variant allele, 1 heterozygote.
Comment: This variant deletes 1 nucleotide in exon 8 of the ATP7B gene, creating a frameshift and premature translation stop signal. This variant is expected to result in an absent or non-functional protein product. This variant has been reported in one individual affected with Wilson disease (PMID: 29321352). This variant has not been identified in the general population by the Genome Aggregation Database (gnomAD). Loss of ATP7B function is a known mechanism of disease. Based on the available evidence, this variant is classified as Pathogenic.

This study involves interpretation of variants in research participants for the purpose of population health screening. Participant phenotype was not available at the time of variant classification. Additional details can be found in publication PMID: 35346344, PMCID: PMC8962531

Literature cited by the submitters: PubMed 10441329 (cited by Labcorp Genetics (formerly Invitae), Labcorp); PubMed 16283883 (cited by Labcorp Genetics (formerly Invitae), Labcorp); PubMed 7626145 (cited by Labcorp Genetics (formerly Invitae), Labcorp); PubMed 29321352 (cited by Labcorp Genetics (formerly Invitae), Labcorp and All of Us Research Program, National Institutes of Health).

NM_000053.4(ATP7B):c.2160del (p.Lys720fs)

Gene: ATP7B (ATPase copper transporting beta; minus strand). Cytogenetic location: 13q14.3.
Variant type: Deletion.
Coding change: c.2160del on transcript NM_000053.4 (MANE Select); coding-DNA position 2160, one base deleted (A; older notation c.2160delA).
Protein change: p.Lys720fs; shifts the reading frame from lysine 720.
Molecular consequence: frameshift variant. On other transcripts: intron variant (20).
Genome position (GRCh38, 1-based): chr13:51,958,506, T deleted on the plus strand (A on the coding strand, the reverse complement: ATP7B is on the minus strand); the first of 3 consecutive T bases (chr13:51,958,506-51,958,508); deleting any one gives the same sequence. VCF-style (leftmost placement, unchanged base first): chr13-51958505-AT-A. GRCh37 (hg19) VCF-style: chr13-52532641-AT-A.
Other names: c.1827del, p.Lys609fs (NM_001243182.2); c.1908del, p.Lys636fs (NM_001330579.2, NM_001406531.1, NM_001406532.1 and 1 more transcripts); c.2160del, p.Lys720fs (NM_001406511.1, NM_001406512.1, NM_001406513.1 and 7 more transcripts); c.2127del, p.Lys709fs (NM_001406514.1); c.2064del, p.Lys688fs (NM_001406517.1, NM_001406518.1); c.1731del, p.Lys577fs (NM_001406539.1); c.1812del, p.Lys604fs (NM_001406543.1); c.1870-899del (NM_001406541.1, NM_001005918.3, NM_001406546.1 and 1 more transcripts); and 8 more; short protein forms K577fs, K604fs, K609fs, K636fs, K688fs, K709fs, K720fs.
Identifiers: ClinVar variation 3073552 (VCV003073552.2), dbSNP rs2547716254, ClinGen allele CA2695218088.